The following is an entry in ClinVar:

NM_014339.7(IL17RA):c.2437GAAGAGGAG[3] (p.Glu816_Glu818dup)

Gene: IL17RA (interleukin 17 receptor A; plus strand). Cytogenetic location: 22q11.1.
Variant type: Microsatellite.
Coding change: c.2437GAAGAGGAG[3] on transcript NM_014339.7 (MANE Select); three copies in a row of the 9-base unit GAAGAGGAG starting at c.2437; the reference has two copies in a row; one copy, 9 bases duplicated.
Protein change: p.Glu816_Glu818dup.
Molecular consequence: inframe insertion.
Genome position (GRCh38, 1-based): chr22:17,109,665-17,109,673, GAAGAGGAG duplicated; duplicating any 9 consecutive bases within chr22:17,109,652-17,109,673 gives the same sequence; the position shown is the placement nearest the transcript's 3' end. VCF-style (leftmost placement, unchanged base first): chr22-17109651-T-TGGAGGAAGA. GRCh37 (hg19) VCF-style: chr22-17590541-T-TGGAGGAAGA.
Other names: c.2335GAAGAGGAG[3], p.Glu782_Glu784dup (NM_001289905.2).
Identifiers: ClinVar variation 1062876 (VCV001062876.6), dbSNP rs551742239, ClinGen allele CA10086991.

ClinVar aggregate classification (germline): Uncertain significance (1 of 4 stars; one submission).

Conditions:
Immunodeficiency 51 (IMD51). Also called: CANDIDIASIS, FAMILIAL, 5. Identifiers: Orphanet 1334, MedGen C4310803, MONDO:0013500, OMIM 613953.

Submission:

Labcorp Genetics (formerly Invitae), Labcorp
Classification: Uncertain significance for Immunodeficiency 51. Last evaluated: 2022-03-26. Review status: criteria provided, single submitter. Criteria: Invitae Variant Classification Sherloc (09022015). Collection method: clinical testing. Allele origin: germline.
Comment: This variant, c.2446_2454dup, results in the insertion of 3 amino acid(s) of the IL17RA protein (p.Glu816_Glu818dup), but otherwise preserves the integrity of the reading frame. This variant is present in population databases (rs774114880, gnomAD 0.01%). This variant has not been reported in the literature in individuals affected with IL17RA-related conditions. Experimental studies and prediction algorithms are not available or were not evaluated, and the functional significance of this variant is currently unknown. In summary, the available evidence is currently insufficient to determine the role of this variant in disease. Therefore, it has been classified as a Variant of Uncertain Significance.